The following is an entry in ClinVar:

ClinVar aggregate classification (germline): Uncertain significance. Review status: criteria provided, single submitter (1 of 4 stars). 2 submissions from 2 submitters: Uncertain significance (1). 1 of the submissions does not count toward it. Last evaluated 2021-09-17.

Conditions:
WNK3-related condition.

Allele frequency attached by ClinVar (database versions not stated): gnomAD 0.00001; gnomAD exomes 0.00001; TOPMed 0.00003.
gnomAD v4.1: 7 of 1,209,879 alleles (0.00058%); highest among the groups gnomAD compares: Admixed American, 0.013%; no homozygotes.

Submissions (2):

Ambry Genetics
Classification: Uncertain significance. Last evaluated: 2021-09-17. Review status: criteria provided, single submitter. Criteria: Ambry Variant Classification Scheme 2023. Collection method: clinical testing. Allele origin: germline.

PreventionGenetics, part of Exact Sciences
Classification: Uncertain significance for WNK3-related condition. Last evaluated: 2024-08-06. Review status: no assertion criteria provided. Collection method: clinical testing. Allele origin: germline. Not counted in ClinVar's aggregate classification.
Comment: The WNK3 c.3469G>A variant is predicted to result in the amino acid substitution p.Val1157Met. To our knowledge, this variant has not been reported in the literature. This variant is reported in 0.0037% of alleles in individuals of Latino descent in gnomAD. At this time, the clinical significance of this variant is uncertain due to the absence of conclusive functional and genetic evidence.

NM_020922.5(WNK3):c.3469G>A (p.Val1157Met)

Gene: WNK3 (WNK lysine deficient protein kinase 3; minus strand). Cytogenetic location: Xp11.22.
Variant type: single nucleotide variant.
Coding change: c.3469G>A on transcript NM_020922.5 (MANE Select); coding-DNA position 3469, G replaced by A.
Protein change: p.Val1157Met; replaces valine 1157 with methionine.
Molecular consequence: missense variant.
Genome position (GRCh38, 1-based): chrX:54,248,879, C>T on the plus strand (G>A on the coding strand, the complement: WNK3 is on the minus strand). VCF-style: chrX-54248879-C-T. GRCh37 (hg19) VCF-style: chrX-54275312-C-T.
Other names: c.3469G>A, p.Val1157Met (NM_001002838.4, NM_001395166.1); short protein forms V1157M.
Identifiers: ClinVar variation 2251860 (VCV002251860.3), dbSNP rs1304128290, ClinGen allele CA413348773.